The following is an entry in ClinVar:

ClinVar aggregate classification (germline): Likely benign (1 of 4 stars; one submission).

Conditions:
Kleefstra syndrome 1 (KLEFS1). Identifiers: Orphanet 261494, MedGen C0795833, MONDO:0027407, OMIM 610253.

Submission:

Centre for Medical Genetics,  Mumbai
Classification: Likely benign for Kleefstra syndrome. Last evaluated: 2019-08-14. Review status: criteria provided, single submitter. Criteria: ACMG Guidelines, 2015. Collection method: clinical testing. Allele origin: germline. Inheritance: Autosomal dominant inheritance. Affected: no. Observed: 1 heterozygote.

NM_024757.5(EHMT1):c.1332G>A (p.Arg444=)

Gene: EHMT1 (euchromatic histone lysine methyltransferase 1; plus strand). Cytogenetic location: 9q34.3.
Variant type: single nucleotide variant.
Coding change: c.1332G>A on transcript NM_024757.5 (MANE Select); coding-DNA position 1332, G replaced by A.
Protein change: p.Arg444=; no amino-acid change (arginine 444 retained).
Molecular consequence: synonymous variant.
Genome position (GRCh38, 1-based): chr9:137,754,254, G>A. VCF-style: chr9-137754254-G-A. GRCh37 (hg19) VCF-style: chr9-140648706-G-A.
Other names: c.1332G>A, p.Arg444= (NM_001145527.2, NM_001354611.2); c.1239G>A, p.Arg413= (NM_001354259.2, NM_001354612.2); c.1311G>A, p.Arg437= (NM_001354263.2).
Identifiers: ClinVar variation 694417 (VCV000694417.3), dbSNP rs1588533740, ClinGen allele CA467873722.